The following is an entry in ClinVar:

ClinVar aggregate classification (germline): Uncertain significance. Review status: criteria provided, multiple submitters, no conflicts (2 of 4 stars). 2 submissions from 2 submitters: Uncertain significance (2). Last evaluated 2024-02-02.

Allele frequency attached by ClinVar (database versions not stated): ExAC 0.00001; gnomAD 0.00002 and 0.00003; TOPMed 0.00003; ESP Exome Variant Server 0.00008.
gnomAD v4.1: 40 of 1,610,716 alleles (0.0025%); highest among the groups gnomAD compares: Non-Finnish European, 0.0033%; no homozygotes.

Submissions (2):

Labcorp Genetics (formerly Invitae), Labcorp
Classification: Uncertain significance. Last evaluated: 2024-02-02. Review status: criteria provided, single submitter. Criteria: Invitae Variant Classification Sherloc (09022015). Collection method: clinical testing. Allele origin: germline.
Comment: This sequence change falls in intron 17 of the PITPNM3 gene. It does not directly change the encoded amino acid sequence of the PITPNM3 protein. It affects a nucleotide within the consensus splice site. This variant is present in population databases (rs375133852, gnomAD 0.002%). This variant has not been reported in the literature in individuals affected with PITPNM3-related conditions. ClinVar contains an entry for this variant (Variation ID: 969130). Variants that disrupt the consensus splice site are a relatively common cause of aberrant splicing (PMID: 17576681, 9536098). Algorithms developed to predict the effect of sequence changes on RNA splicing suggest that this variant is not likely to affect RNA splicing. In summary, the available evidence is currently insufficient to determine the role of this variant in disease. Therefore, it has been classified as a Variant of Uncertain Significance.

Blueprint Genetics
Classification: Uncertain significance. Last evaluated: 2021-10-03. Review status: criteria provided, single submitter. Criteria: ACMG Guidelines, 2015. Collection method: clinical testing. Allele origin: germline.

Literature cited by the submitters: PubMed 17576681 (cited by Labcorp Genetics (formerly Invitae), Labcorp); PubMed 9536098 (cited by Labcorp Genetics (formerly Invitae), Labcorp).

NM_031220.4(PITPNM3):c.2306+6T>A

Gene: PITPNM3 (PITPNM family member 3; minus strand). Cytogenetic location: 17p13.2.
Variant type: single nucleotide variant.
Coding change: c.2306+6T>A on transcript NM_031220.4 (MANE Select); 6 bases into the intron after coding-DNA position 2306, T replaced by A.
Molecular consequence: intron variant.
Genome position (GRCh38, 1-based): chr17:6,463,726, A>T on the plus strand (T>A on the coding strand, the complement: PITPNM3 is on the minus strand). VCF-style: chr17-6463726-A-T. GRCh37 (hg19) VCF-style: chr17-6367046-A-T.
Other names: c.2198+6T>A (NM_001165966.2).
Identifiers: ClinVar variation 969130 (VCV000969130.11), dbSNP rs375133852, ClinGen allele CA8329226.